The following is an entry in ClinVar:

NM_002470.4(MYH3):c.3726T>C (p.Ser1242=)

Gene: MYH3 (myosin heavy chain 3; minus strand). Cytogenetic location: 17p13.1.
Variant type: single nucleotide variant.
Coding change: c.3726T>C on transcript NM_002470.4 (MANE Select); coding-DNA position 3726, T replaced by C.
Protein change: p.Ser1242=; no amino-acid change (serine 1242 retained).
Molecular consequence: synonymous variant.
Genome position (GRCh38, 1-based): chr17:10,638,046, A>G on the plus strand (T>C on the coding strand, the complement: MYH3 is on the minus strand). VCF-style: chr17-10638046-A-G. GRCh37 (hg19) VCF-style: chr17-10541363-A-G.
Identifiers: ClinVar variation 129659 (VCV000129659.27), dbSNP rs77946261, ClinGen allele CA153795.
Genomic context (GRCh38, chr17:10,638,046, plus strand): 5'-ATGACCACGGAGTGTGTCTGATGGAAAGCCTTGAGCCACCCCCACCCCGCGCAGCACCTT[A>G]GATTTCGACACACTCTCCATGCTGCTGGAGAGGTCATCGATCTCCAGCTTGAACTCGCTC-3'
Protein context (NP_002461.2, residues 1232-1252): LSSSMESVSK[Ser1242=]KANLEKICRT

ClinVar aggregate classification (germline): Benign/Likely benign. Review status: criteria provided, multiple submitters, no conflicts (2 of 4 stars). 7 submissions from 6 submitters: Benign (4); Likely benign (2). 1 of the submissions does not count toward it. Last evaluated 2026-01-28.

Conditions:
Distal arthrogryposis type 2B1 (DA2B1). Also called: Arthrogryposis multiplex congenita distal type II with craniofacial abnormalities. Identifiers: Orphanet 1147, MedGen C5193014, MONDO:0020820, OMIM 601680.
Freeman-Sheldon syndrome (DA2A). Also called: CRANIOCARPOTARSAL DYSPLASIA; CRANIOCARPOTARSAL DYSTROPHY; Arthrogryposis, distal, type 2A (Freeman-Sheldon); WHISTLING FACE-WINDMILL VANE HAND SYNDROME. Identifiers: Orphanet 2053, MedGen C0265224, MONDO:0008675, OMIM 193700.

Allele frequency attached by ClinVar (database versions not stated): gnomAD exomes 0.00066 and 0.00184; ExAC 0.00225; gnomAD 0.00740 and 0.00792; TOPMed 0.00778; 1000 Genomes Project 0.00839; 1000 Genomes Project 30x 0.00859; ESP Exome Variant Server 0.00907.
gnomAD v4.1: 2,124 of 1,613,692 alleles (0.13%); highest among the groups gnomAD compares: African/African-American, 2.5%; 31 homozygotes.

Submissions (7):

Labcorp Genetics (formerly Invitae), Labcorp
Classification: Benign. Last evaluated: 2026-01-28. Review status: criteria provided, single submitter. Criteria: Invitae Variant Classification Sherloc (09022015). Collection method: clinical testing. Allele origin: germline.

GeneDx
Classification: Likely benign. Last evaluated: 2021-11-08. Review status: criteria provided, single submitter. Criteria: GeneDx Variant Classification Process June 2021. Collection method: clinical testing. Allele origin: germline. Affected: yes.

Illumina Laboratory Services, Illumina
Classification: Benign for Freeman-Sheldon syndrome. Last evaluated: 2018-01-12. Review status: criteria provided, single submitter. Criteria: ICSL Variant Classification Criteria 13 December 2019. Collection method: clinical testing. Allele origin: germline.
Comment: This variant was observed in the ICSL laboratory as part of a predisposition screen in an ostensibly healthy population. It had not been previously curated by ICSL or reported in the Human Gene Mutation Database (HGMD: prior to June 1st, 2018), and was therefore a candidate for classification through an automated scoring system. Utilizing variant allele frequency, disease prevalence and penetrance estimates, and inheritance mode, an automated score was calculated to assess if this variant is too frequent to cause the disease. Based on the score and internal cut-off values, a variant classified as benign is not then subjected to further curation. The score for this variant resulted in a classification of benign for this disease.

Illumina Laboratory Services, Illumina
Classification: Benign for Distal arthrogryposis type 2B1. Last evaluated: 2018-01-12. Review status: criteria provided, single submitter. Criteria: ICSL Variant Classification Criteria 13 December 2019. Collection method: clinical testing. Allele origin: germline.
Comment: the same text as in the submission from Illumina Laboratory Services, Illumina above.

Breakthrough Genomics
Classification: Likely benign. Review status: criteria provided, single submitter. Criteria: ACMG Guidelines, 2015. Collection method: not provided. Allele origin: germline. Inheritance: Autosomal recessive inheritance. Affected: yes.

PreventionGenetics, part of Exact Sciences
Classification: Benign. Review status: criteria provided, single submitter. Criteria: ACMG Guidelines, 2015. Collection method: clinical testing. Allele origin: germline.

Genetic Services Laboratory, University of Chicago
Classification: Likely benign for AllHighlyPenetrant. Review status: no assertion criteria provided. Collection method: clinical testing. Allele origin: germline. Inheritance: Autosomal dominant inheritance. Not counted in ClinVar's aggregate classification.
Comment: Likely benign based on allele frequency in 1000 Genomes Project or ESP global frequency and its presence in a patient with a rare or unrelated disease phenotype. NOT Sanger confirmed.